The following is an entry in ClinVar:

NM_025137.4(SPG11):c.7008dup (p.Val2337fs)

Gene: SPG11 (SPG11 vesicle trafficking associated, spatacsin; minus strand). Cytogenetic location: 15q21.1.
Variant type: Duplication.
Coding change: c.7008dup on transcript NM_025137.4 (MANE Select); coding-DNA position 7008, one base duplicated (T; older notation c.7008dupT).
Protein change: p.Val2337fs; shifts the reading frame from valine 2337.
Molecular consequence: frameshift variant.
Genome position (GRCh38, 1-based): chr15:44,564,690, A duplicated on the plus strand (T on the coding strand, the reverse complement: SPG11 is on the minus strand); the first of 2 consecutive A bases (chr15:44,564,690-44,564,691); duplicating either gives the same sequence. VCF-style (leftmost placement, unchanged base first): chr15-44564689-C-CA. GRCh37 (hg19) VCF-style: chr15-44856887-C-CA.
Other names: c.6669dup, p.Val2224fs (NM_001160227.2); c.6864dup, p.Val2289fs (NM_001411132.1); short protein forms V2289fs, V2224fs, V2337fs.
Identifiers: ClinVar variation 4725371 (VCV004725371.1).

ClinVar aggregate classification (germline): Pathogenic (1 of 4 stars; one submission).

Conditions:
Hereditary spastic paraplegia 11. Also called: Spastic paraplegia, mental retardation and thin corpus callosum; SPASTIC PARAPLEGIA, AUTOSOMAL RECESSIVE, COMPLICATED, WITH THIN CORPUS CALLOSUM; SPASTIC PARAPLEGIA, AUTOSOMAL RECESSIVE, WITH MENTAL IMPAIRMENT AND THIN CORPUS CALLOSUM; Nakamura Osame syndrome; Autosomal recessive hereditary spastic paraplegia, mental impairment, and thin corpus callosum; Spastic Paraplegia 11. Identifiers: Orphanet 2822, MedGen C1858479, MONDO:0011445, OMIM 604360.

Submission:

Labcorp Genetics (formerly Invitae), Labcorp
Classification: Pathogenic for Hereditary spastic paraplegia 11. Last evaluated: 2025-11-26. Review status: criteria provided, single submitter. Criteria: Invitae Variant Classification Sherloc (09022015). Collection method: clinical testing. Allele origin: germline.
Comment: This sequence change creates a premature translational stop signal (p.Val2337Cysfs*3) in the SPG11 gene. It is expected to result in an absent or disrupted protein product. Loss-of-function variants in SPG11 are known to be pathogenic (PMID: 19105190, 20110243, 22154821, 26556829). This variant is not present in population databases (gnomAD no frequency). This variant has not been reported in the literature in individuals affected with SPG11-related conditions. For these reasons, this variant has been classified as Pathogenic.

Literature cited by the submitters: PubMed 19105190; PubMed 20110243; PubMed 22154821; PubMed 26556829.